The following is an entry in ClinVar:

ClinVar aggregate classification (germline): Uncertain significance (1 of 4 stars; one submission).

Allele frequency attached by ClinVar (database versions not stated): gnomAD exomes below 0.00001; gnomAD 0.00002; TOPMed 0.00002.
gnomAD v4.1: 7 of 1,613,972 alleles (0.00043%); highest among the groups gnomAD compares: African/African-American, 0.0053%; no homozygotes.

Submission:

Labcorp Genetics (formerly Invitae), Labcorp
Classification: Uncertain significance. Last evaluated: 2022-10-04. Review status: criteria provided, single submitter. Criteria: Invitae Variant Classification Sherloc (09022015). Collection method: clinical testing. Allele origin: germline.
Comment: In summary, the available evidence is currently insufficient to determine the role of this variant in disease. Therefore, it has been classified as a Variant of Uncertain Significance. Variants that disrupt the consensus splice site are a relatively common cause of aberrant splicing (PMID: 17576681, 9536098). Algorithms developed to predict the effect of sequence changes on RNA splicing suggest that this variant may disrupt the consensus splice site. This variant has not been reported in the literature in individuals affected with LRP2-related conditions. This variant is present in population databases (no rsID available, gnomAD 0.007%). This sequence change falls in intron 3 of the LRP2 gene. It does not directly change the encoded amino acid sequence of the LRP2 protein. It affects a nucleotide within the consensus splice site.

Literature cited by the submitters: PubMed 17576681; PubMed 9536098.

NM_004525.3(LRP2):c.310+5G>A

Gene: LRP2 (LDL receptor related protein 2; minus strand). Cytogenetic location: 2q31.1.
Variant type: single nucleotide variant.
Coding change: c.310+5G>A on transcript NM_004525.3 (MANE Select); 5 bases into the intron after coding-DNA position 310, G replaced by A.
Molecular consequence: intron variant.
Genome position (GRCh38, 1-based): chr2:169,318,757, C>T on the plus strand (G>A on the coding strand, the complement: LRP2 is on the minus strand). VCF-style: chr2-169318757-C-T. GRCh37 (hg19) VCF-style: chr2-170175267-C-T.
Identifiers: ClinVar variation 1956402 (VCV001956402.5), dbSNP rs1233797385, ClinGen allele CA537542822.